The following is an entry in ClinVar:

NM_004656.4(BAP1):c.1168C>T (p.Pro390Ser)

Gene: BAP1 (BRCA1 associated deubiquitinase 1; minus strand). Cytogenetic location: 3p21.1.
Variant type: single nucleotide variant.
Coding change: c.1168C>T on transcript NM_004656.4 (MANE Select); coding-DNA position 1168, C replaced by T.
Protein change: p.Pro390Ser; replaces proline 390 with serine.
Molecular consequence: missense variant.
Genome position (GRCh38, 1-based): chr3:52,404,535, G>A on the plus strand (C>T on the coding strand, the complement: BAP1 is on the minus strand). VCF-style: chr3-52404535-G-A. GRCh37 (hg19) VCF-style: chr3-52438551-G-A.
Other names: short protein forms P390S.
Identifiers: ClinVar variation 539919 (VCV000539919.6), dbSNP rs1425178905, ClinGen allele CA353103241.

ClinVar aggregate classification (germline): Uncertain significance (1 of 4 stars; one submission).

Conditions:
BAP1-related tumor predisposition syndrome (TPDS1). Also called: TUMOR PREDISPOSITION SYNDROME 1; BAP1 tumor predisposition syndrome; COMMON Syndrome; Tumor susceptibility linked to germline BAP1 mutations. Identifiers: Orphanet 289539, MedGen C3280492, MONDO:0013692, OMIM 614327.

Submission:

Labcorp Genetics (formerly Invitae), Labcorp
Classification: Uncertain significance for BAP1-related tumor predisposition syndrome. Last evaluated: 2025-07-02. Review status: criteria provided, single submitter. Criteria: Invitae Variant Classification Sherloc (09022015). Collection method: clinical testing. Allele origin: germline.
Comment: This sequence change replaces proline, which is neutral and non-polar, with serine, which is neutral and polar, at codon 390 of the BAP1 protein (p.Pro390Ser). This variant is not present in population databases (gnomAD no frequency). This variant has not been reported in the literature in individuals affected with BAP1-related conditions. ClinVar contains an entry for this variant (Variation ID: 539919). Invitae Evidence Modeling of protein sequence and biophysical properties (such as structural, functional, and spatial information, amino acid conservation, physicochemical variation, residue mobility, and thermodynamic stability) indicates that this missense variant is not expected to disrupt BAP1 protein function with a negative predictive value of 80%. In summary, the available evidence is currently insufficient to determine the role of this variant in disease. Therefore, it has been classified as a Variant of Uncertain Significance.